The following is an entry in ClinVar:

NM_000038.6(APC):c.3413del (p.Asp1138fs)

Gene: APC (APC regulator of Wnt signaling pathway; plus strand). Cytogenetic location: 5q22.2.
Variant type: Deletion.
Coding change: c.3413del on transcript NM_000038.6 (MANE Select); coding-DNA position 3413, one base deleted (A; older notation c.3413delA).
Protein change: p.Asp1138fs; shifts the reading frame from aspartic acid 1138.
Molecular consequence: frameshift variant.
Genome position (GRCh38, 1-based): chr5:112,839,007, A deleted. VCF-style (leftmost placement, unchanged base first): chr5-112839006-GA-G. GRCh37 (hg19) VCF-style: chr5-112174703-GA-G.
Other names: c.3413del, p.Asp1138fs (NM_001127510.3, NM_001354895.2); c.3359del, p.Asp1120fs (NM_001127511.3); c.3467del, p.Asp1156fs (NM_001354896.2); c.3443del, p.Asp1148fs (NM_001354897.2); c.3338del, p.Asp1113fs (NM_001354898.2); c.3329del, p.Asp1110fs (NM_001354899.2); c.3290del, p.Asp1097fs (NM_001354900.2); c.3236del, p.Asp1079fs (NM_001354901.2); and 5 more; short protein forms D1012fs, D1037fs, D1047fs, D1079fs, D1097fs, D1110fs, D1113fs, D1120fs.
Identifiers: ClinVar variation 1074130 (VCV001074130.10), dbSNP rs2149891437, ClinGen allele CA658760917.

ClinVar aggregate classification (germline): Pathogenic (1 of 4 stars; one submission).

Conditions:
Familial adenomatous polyposis 1 (FAP1). Also called: POLYPOSIS, ADENOMATOUS INTESTINAL; FAMILIAL ADENOMATOUS POLYPOSIS 1, ATTENUATED. Identifiers: MedGen C2713442, MONDO:0021056, OMIM 175100. Disease mechanism: loss of function.

Submission:

Labcorp Genetics (formerly Invitae), Labcorp
Classification: Pathogenic for Familial adenomatous polyposis 1. Last evaluated: 2020-10-09. Review status: criteria provided, single submitter. Criteria: Invitae Variant Classification Sherloc (09022015). Collection method: clinical testing. Allele origin: germline.
Comment: A different truncation (p.Tyr2645Lysfs*14) that lies downstream of this variant has been determined to be pathogenic (PMID: 9824584, 1316610, 27081525, 8381579, 22135120, Invitae). This suggests that deletion of this region of the APC protein is causative of disease. For these reasons, this variant has been classified as Pathogenic. This variant is expected to disrupt the EB1 and HDLG binding sites, which mediate interactions with the cytoskeleton (PMID: 15311282, 17293347). While functional studies have not been performed to directly test the effect on APC protein function, this suggests that disruption of the C-terminal portion of the protein is functionally important. Algorithms developed to predict the effect of sequence changes on RNA splicing suggest that this variant may create or strengthen a splice site, but this prediction has not been confirmed by published transcriptional studies. This variant has been observed in individual(s) with familial adenomatous polyposis (PMID: 17411426). This variant is not present in population databases (ExAC no frequency). This sequence change results in a premature translational stop signal in the APC gene (p.Asp1138Valfs*27). While this is not anticipated to result in nonsense mediated decay, it is expected to disrupt the last 1706 amino acid(s) of the APC protein.

Literature cited by the submitters: PubMed 9824584; PubMed 1316610; PubMed 27081525; PubMed 8381579; PubMed 22135120; PubMed 15311282; PubMed 17293347; PubMed 17411426.